The following is an entry in ClinVar:

NM_000321.3(RB1):c.787del (p.Arg262_Ile263insTer)

Gene: RB1 (RB transcriptional corepressor 1; plus strand). Cytogenetic location: 13q14.2.
Variant type: Deletion.
Coding change: c.787del on transcript NM_000321.3 (MANE Select); coding-DNA position 787, one base deleted (A; older notation c.787delA).
Protein change: p.Arg262_Ile263insTer.
Molecular consequence: nonsense.
Genome position (GRCh38, 1-based): chr13:48,362,883, A deleted. VCF-style (leftmost placement, unchanged base first): chr13-48362882-GA-G. GRCh37 (hg19) VCF-style: chr13-48937018-GA-G.
Identifiers: ClinVar variation 1394135 (VCV001394135.6), dbSNP rs2138112461, ClinGen allele CA2573149562.
Genomic context (GRCh38, chr13:48,362,882, plus strand): 5'-TGTTATACCCATTAATGGTTCACCTCGAACACCCAGGCGAGGTCAGAACAGGAGTGCACG[GA>G]TAGCAAAACAACTAGAAAATGATACAAGAATTATTGAAGTTCTCTGTAAAGAACATGAAT-3'

ClinVar aggregate classification (germline): Pathogenic (1 of 4 stars; one submission).

Conditions:
Retinoblastoma (RB1). Also called: RETINOBLASTOMA, SOMATIC. Identifiers: Orphanet 790, MedGen C0035335, MeSH D012175, MONDO:0008380, OMIM 180200, HP:0009919. Disease mechanism: loss of function. Inheritance: Both sporadic and heritable forms are tested..

Submission:

Labcorp Genetics (formerly Invitae), Labcorp
Classification: Pathogenic for Retinoblastoma. Last evaluated: 2021-08-19. Review status: criteria provided, single submitter. Criteria: Invitae Variant Classification Sherloc (09022015). Collection method: clinical testing. Allele origin: germline.
Comment: This sequence change creates a premature translational stop signal (p.Ile263*) in the RB1 gene. It is expected to result in an absent or disrupted protein product. Loss-of-function variants in RB1 are known to be pathogenic (PMID: 17096365). Algorithms developed to predict the effect of sequence changes on RNA splicing suggest that this variant may create or strengthen a splice site. This variant is not present in population databases (ExAC no frequency). This variant has not been reported in the literature in individuals affected with RB1-related conditions. For these reasons, this variant has been classified as Pathogenic.

Literature cited by the submitters: PubMed 17096365.